The following is an entry in ClinVar:

ClinVar aggregate classification (germline): Pathogenic/Likely pathogenic. Review status: criteria provided, multiple submitters, no conflicts (2 of 4 stars). 3 submissions from 3 submitters: Pathogenic (2); Likely pathogenic (1). Last evaluated 2025-12-15.

Conditions:
ALG1-congenital disorder of glycosylation. Also called: CONGENITAL DISORDER OF GLYCOSYLATION, TYPE Ik; CDG Ik; ALG1-CDG. Identifiers: Orphanet 79327, MedGen C2931005, MONDO:0012052, OMIM 608540.

Submissions (3):

Women's Health and Genetics/Laboratory Corporation of America, LabCorp
Classification: Pathogenic for ALG1-congenital disorder of glycosylation. Last evaluated: 2025-12-15. Review status: criteria provided, single submitter. Criteria: LabCorp Variant Classification Summary - May 2015. Collection method: clinical testing. Allele origin: germline.
Comment: Variant summary: ALG1 c.989delG (p.Ser330ThrfsX28) results in a premature termination codon, predicted to cause a truncation of the encoded protein or absence of the protein due to nonsense mediated decay, which are commonly known mechanisms for disease. The variant was absent in 233492 control chromosomes. To our knowledge, no occurrence of c.989delG in individuals affected with ALG1-related conditions and no experimental evidence demonstrating its impact on protein function have been reported. ClinVar contains an entry for this variant (Variation ID: 3580789). Based on the evidence outlined above, the variant was classified as pathogenic.

Labcorp Genetics (formerly Invitae), Labcorp
Classification: Pathogenic for ALG1-congenital disorder of glycosylation. Last evaluated: 2024-11-16. Review status: criteria provided, single submitter. Criteria: Invitae Variant Classification Sherloc (09022015). Collection method: clinical testing. Allele origin: germline.
Comment: This sequence change creates a premature translational stop signal (p.Ser330Thrfs*28) in the ALG1 gene. It is expected to result in an absent or disrupted protein product. Loss-of-function variants in ALG1 are known to be pathogenic (PMID: 20679665, 23806237). This variant is not present in population databases (gnomAD no frequency). This variant has not been reported in the literature in individuals affected with ALG1-related conditions. For these reasons, this variant has been classified as Pathogenic.

Fulgent Genetics
Classification: Likely pathogenic for ALG1-congenital disorder of glycosylation. Last evaluated: 2024-04-05. Review status: criteria provided, single submitter. Criteria: ACMG Guidelines, 2015. Collection method: clinical testing. Allele origin: germline.

Literature cited by the submitters: PubMed 20679665 (cited by Labcorp Genetics (formerly Invitae), Labcorp); PubMed 23806237 (cited by Labcorp Genetics (formerly Invitae), Labcorp).

NM_019109.5(ALG1):c.989del (p.Ser330fs)

Gene: ALG1 (ALG1 chitobiosyldiphosphodolichol beta-mannosyltransferase; plus strand). Cytogenetic location: 16p13.3.
Variant type: Deletion.
Coding change: c.989del on transcript NM_019109.5 (MANE Select); coding-DNA position 989, one base deleted (G; older notation c.989delG).
Protein change: p.Ser330fs; shifts the reading frame from serine 330.
Molecular consequence: frameshift variant.
Genome position (GRCh38, 1-based): chr16:5,080,973, G deleted. VCF-style (leftmost placement, unchanged base first): chr16-5080972-AG-A. GRCh37 (hg19) VCF-style: chr16-5130973-AG-A.
Other names: c.989delG (NM_019109.5); c.656del, p.Ser219fs (NM_001330504.2); short protein forms S219fs, S330fs.
Identifiers: ClinVar variation 3580789 (VCV003580789.4).